The following is an entry in ClinVar:

ClinVar aggregate classification (germline): Uncertain significance. Review status: criteria provided, multiple submitters, no conflicts (2 of 4 stars). 3 submissions from 3 submitters: Uncertain significance (3). Last evaluated 2026-06-02.

Conditions:
Laminopathy. Also called: Laminopathies. Identifiers: Orphanet 98301, MedGen C5392094, MONDO:0021106.
Primary dilated cardiomyopathy (DCM). Also called: Dilated Cardiomyopathy. Identifiers: Orphanet 217604, MedGen C0007193, MeSH D002311, MONDO:0005021, HP:0001644. Inheritance: Various modes of inheritance.
Cardiomyopathy (CMYO). Also called: Cardiomyopathies. Identifiers: Orphanet 167848, MedGen C0878544, MONDO:0004994, HP:0001638. Inheritance: Various modes of inheritance.

Allele frequency attached by ClinVar (database versions not stated): gnomAD exomes below 0.00001; TOPMed below 0.00001; ExAC 0.00001.
gnomAD v4.1: 1 of 1,614,072 alleles (0.000062%); highest among the groups gnomAD compares: African/African-American, 0.0013%; no homozygotes.

Submissions (3):

Victorian Clinical Genetics Services, Murdoch Childrens Research Institute
Classification: Uncertain significance for Laminopathy. Last evaluated: 2026-06-02. Review status: criteria provided, single submitter. Criteria: ACMG Guidelines, 2015. Collection method: clinical testing. Allele origin: germline. Affected: yes.
Comment: This variant is classified as VUS-3B. Evidence in support of pathogenic classification: Variant is present in gnomAD <0.01 for a condition (v4: 1 heterozygote(s), 0 homozygote(s)) . Additional information: Variant is predicted to result in a missense amino acid change from Ala to Asp; This variant is heterozygous; This gene is associated with both recessive and dominant disease (OMIM); Previous evidence of pathogenicity for this variant is inconclusive. This variant has been reported twice as a VUS by clinical laboratories (ClinVar); No published evidence of segregation with disease has been identified for this variant; No published functional evidence has been identified for this variant; No comparable missense variants have previous evidence for pathogenicity; Variant is located in the annotated filament coiled-coil domain (DECIPHER); Missense variant with inconclusive in silico prediction and uninformative conservation; Dominant negative, loss of function and gain of function are known mechanisms of disease in this gene. Some missense variants have been reported to result in a toxic gain of function or dominant negative and are associated with childhood-onset disease or skeletal muscle involvement, while other variants have been reported to result in a loss of function and haploinsufficiency, and are associated with adult-onset disease, cardiac disorders or myopathy (PMID: 17377071); The condition associated with this gene has incomplete penetrance (PMID: 20301609); Variants in this gene are known to have variable expressivity (OMIM).

Color Diagnostics, LLC DBA Color Health
Classification: Uncertain significance for Cardiomyopathy. Last evaluated: 2025-09-16. Review status: criteria provided, single submitter. Criteria: ACMG Guidelines, 2015. Collection method: clinical testing. Allele origin: germline.
Comment: This missense variant replaces alanine with aspartic acid at codon 129 of the LMNA protein. Computational prediction suggests that this variant may not impact protein structure and function. To our knowledge, functional studies have not been reported for this variant. This variant has not been reported in individuals affected with LMNA-related disorders in the literature. This variant has been identified in 1/251412 chromosomes in the general population by the Genome Aggregation Database (gnomAD). The available evidence is insufficient to determine the role of this variant in disease conclusively. Therefore, this variant is classified as a Variant of Uncertain Significance.

All of Us Research Program, National Institutes of Health
Classification: Uncertain significance for Primary dilated cardiomyopathy. Last evaluated: 2023-12-01. Review status: criteria provided, single submitter. Criteria: ACMG Guidelines, 2015. Collection method: clinical testing. Allele origin: germline. Inheritance: Autosomal dominant inheritance. Observed: 1 variant allele, 1 heterozygote.
Comment: This missense variant replaces alanine with aspartic acid at codon 129 of the LMNA protein. Computational prediction suggests that this variant may not impact protein structure and function (internally defined REVEL score threshold <= 0.5, PMID: 27666373). Splice site prediction tools suggest that this variant may not impact RNA splicing. To our knowledge, functional studies have not been performed for this variant. This variant has not been reported in individuals affected with cardiovascular disorders in the literature. This variant has been identified in 1/251412 chromosomes in the general population by the Genome Aggregation Database (gnomAD). The available evidence is insufficient to determine the role of this variant in disease conclusively. Therefore, this variant is classified as a Variant of Uncertain Significance.

This study involves interpretation of variants in research participants for the purpose of population health screening. Participant phenotype was not available at the time of variant classification. Additional details can be found in publication PMID: 35346344, PMCID: PMC8962531

Literature cited by the submitters: PubMed 17377071 (cited by Victorian Clinical Genetics Services, Murdoch Childrens Research Institute); PubMed 20301609 (cited by Victorian Clinical Genetics Services, Murdoch Childrens Research Institute).

NM_170707.4(LMNA):c.386C>A (p.Ala129Asp)

Genes: LMNA (lamin A/C; plus strand), LOC126805877 (MED14-independent group 3 enhancer GRCh37_chr1:156099693-156100892; plus strand). Cytogenetic location: 1q22.
Variant type: single nucleotide variant.
Coding change: c.386C>A on transcript NM_170707.4 (MANE Select); coding-DNA position 386, C replaced by A.
Protein change: p.Ala129Asp; replaces alanine 129 with aspartic acid.
Molecular consequence: missense variant.
Genome position (GRCh38, 1-based): chr1:156,130,646, C>A. VCF-style: chr1-156130646-C-A. GRCh37 (hg19) VCF-style: chr1-156100437-C-A.
Other names: c.50C>A, p.Ala17Asp (NM_001257374.3); c.143C>A, p.Ala48Asp (NM_001282624.2); c.386C>A, p.Ala129Asp (NM_001282625.2, NM_001282626.2, NM_005572.4 and 1 more transcripts); short protein forms A129D, A17D, A48D.
Identifiers: ClinVar variation 630017 (VCV000630017.9), dbSNP rs768203943, ClinGen allele CA053312.
Genomic context (GRCh38, chr1:156,130,646, plus strand): 5'-TCTTAAATCTACTCTCCCCTCTCTTCTTTAGCAATACCAAGAAGGAGGGTGACCTGATAG[C>A]TGCTCAGGCTCGGCTGAAGGACCTGGAGGCTCTGCTGAACTCCAAGGAGGCCGCACTGAG-3'
Protein context (NP_733821.1, residues 119-139): RNTKKEGDLI[Ala129Asp]AQARLKDLEA